The following is an entry in ClinVar:

NM_002907.4(RECQL):c.995T>G (p.Val332Gly)

Gene: RECQL (RecQ like helicase; minus strand). Cytogenetic location: 12p12.1.
Variant type: single nucleotide variant.
Coding change: c.995T>G on transcript NM_002907.4 (MANE Select); coding-DNA position 995, T replaced by G.
Protein change: p.Val332Gly; replaces valine 332 with glycine.
Molecular consequence: missense variant.
Genome position (GRCh38, 1-based): chr12:21,475,779, A>C on the plus strand (T>G on the coding strand, the complement: RECQL is on the minus strand). VCF-style: chr12-21475779-A-C. GRCh37 (hg19) VCF-style: chr12-21628713-A-C.
Other names: c.995T>G, p.Val332Gly (NM_032941.3); short protein forms V332G.
Identifiers: ClinVar variation 3313512 (VCV003313512.1).

ClinVar aggregate classification (germline): Uncertain significance (1 of 4 stars; one submission).

Submission:

Ambry Genetics
Classification: Uncertain significance. Last evaluated: 2024-04-28. Review status: criteria provided, single submitter. Criteria: Ambry Variant Classification Scheme 2023. Collection method: clinical testing. Allele origin: germline.
Comment: The p.V332G variant (also known as c.995T>G), located in coding exon 8 of the RECQL gene, results from a T to G substitution at nucleotide position 995. The valine at codon 332 is replaced by glycine, an amino acid with dissimilar properties. This amino acid position is conserved. In addition, this alteration is predicted to be tolerated by in silico analysis. Based on the available evidence, the clinical significance of this variant remains unclear.